The following is an entry in ClinVar:

ClinVar aggregate classification (germline): Likely benign (1 of 4 stars; one submission).

Allele frequency attached by ClinVar (database versions not stated): gnomAD exomes 0.00032; 1000 Genomes Project 0.00319; 1000 Genomes Project 30x 0.00344; gnomAD 0.00391; TOPMed 0.00410.
gnomAD v4.1: 1,022 of 1,485,452 alleles (0.069%); highest among the groups gnomAD compares: African/African-American, 1.3%; 6 homozygotes.

Submission:

GeneDx
Classification: Likely benign. Last evaluated: 2021-11-20. Review status: criteria provided, single submitter. Criteria: GeneDx Variant Classification Process June 2021. Collection method: clinical testing. Allele origin: germline. Affected: yes.
Comment: See Variant Classification Assertion Criteria.

NM_001081.4(CUBN):c.5210-69T>A

Gene: CUBN (cubilin; minus strand). Cytogenetic location: 10p13.
Variant type: single nucleotide variant.
Coding change: c.5210-69T>A on transcript NM_001081.4 (MANE Select); 69 bases into the intron before coding-DNA position 5210, T replaced by A.
Molecular consequence: intron variant.
Genome position (GRCh38, 1-based): chr10:16,947,436, A>T on the plus strand (T>A on the coding strand, the complement: CUBN is on the minus strand). VCF-style: chr10-16947436-A-T. GRCh37 (hg19) VCF-style: chr10-16989435-A-T.
Identifiers: ClinVar variation 1804539 (VCV001804539.1), dbSNP rs75906986, ClinGen allele CA203590857.